The following is an entry in ClinVar:

NM_000186.4(CFH):c.2681G>A (p.Gly894Glu)

Gene: CFH (complement factor H; plus strand). Cytogenetic location: 1q31.3.
Variant type: single nucleotide variant.
Coding change: c.2681G>A on transcript NM_000186.4 (MANE Select); coding-DNA position 2681, G replaced by A.
Protein change: p.Gly894Glu; replaces glycine 894 with glutamic acid.
Molecular consequence: missense variant.
Genome position (GRCh38, 1-based): chr1:196,737,559, G>A. VCF-style: chr1-196737559-G-A. GRCh37 (hg19) VCF-style: chr1-196706689-G-A.
Other names: p.Gly894Glu; short protein forms G894E.
Identifiers: ClinVar variation 2682688 (VCV002682688.5), dbSNP rs779590934, ClinGen allele CA1305716.

ClinVar aggregate classification (germline): Uncertain significance. Review status: criteria provided, multiple submitters, no conflicts (2 of 4 stars). 4 submissions from 4 submitters: Uncertain significance (4). Last evaluated 2026-05-28.

Conditions:
CFH-related disorder. Also called: CFH-related disorders; CFH-related condition.
Inborn genetic diseases. Identifiers: MedGen C0950123, MeSH D030342.

Allele frequency attached by ClinVar (database versions not stated): ExAC 0.00001; gnomAD exomes 0.00001.
gnomAD v4.1: 9 of 1,613,134 alleles (0.00056%); highest among the groups gnomAD compares: Middle Eastern, 0.017%; no homozygotes.

Submissions (4):

PreventionGenetics, part of Exact Sciences
Classification: Uncertain significance for CFH-related condition. Last evaluated: 2026-05-28. Review status: criteria provided, single submitter. Criteria: ACMG Guidelines, 2015. Collection method: clinical testing. Allele origin: germline.
Comment: The CFH c.2681G>A variant is predicted to result in the amino acid substitution p.Gly894Glu. To our knowledge, this variant has not been reported in the literature. This variant is reported in 0.0087% of alleles in individuals of Latino descent in gnomAD. At this time, the clinical significance of this variant is uncertain due to the absence of conclusive functional and genetic evidence.

Ambry Genetics
Classification: Uncertain significance for Inborn genetic diseases. Last evaluated: 2024-09-20. Review status: criteria provided, single submitter. Criteria: Ambry Variant Classification Scheme 2023. Collection method: clinical testing. Allele origin: germline.

Labcorp Genetics (formerly Invitae), Labcorp
Classification: Uncertain significance. Last evaluated: 2024-06-11. Review status: criteria provided, single submitter. Criteria: Invitae Variant Classification Sherloc (09022015). Collection method: clinical testing. Allele origin: germline.
Comment: This sequence change replaces glycine, which is neutral and non-polar, with glutamic acid, which is acidic and polar, at codon 894 of the CFH protein (p.Gly894Glu). This variant is present in population databases (rs779590934, gnomAD 0.009%). This variant has not been reported in the literature in individuals affected with CFH-related conditions. An algorithm developed to predict the effect of missense changes on protein structure and function (PolyPhen-2) suggests that this variant is likely to be disruptive. In summary, the available evidence is currently insufficient to determine the role of this variant in disease. Therefore, it has been classified as a Variant of Uncertain Significance.

Mayo Clinic Laboratories, Mayo Clinic
Classification: Uncertain significance. Last evaluated: 2023-05-22. Review status: criteria provided, single submitter. Criteria: ACMG Guidelines, 2015. Collection method: clinical testing. Allele origin: germline. Observed: 1 variant allele.